The following is an entry in ClinVar:

ClinVar aggregate classification (germline): Uncertain significance. Review status: criteria provided, multiple submitters, no conflicts (2 of 4 stars). 4 submissions from 4 submitters: Uncertain significance (4). Last evaluated 2025-11-17.

Conditions:
Cardiovascular phenotype. Identifiers: MedGen CN230736.
Myofibrillar myopathy 5. Also called: Filaminopathy (type); FILAMINOPATHY, AUTOSOMAL DOMINANT. Identifiers: Orphanet 171445, MedGen C1836050, MONDO:0012289, OMIM 609524.
Hypertrophic cardiomyopathy 26. Also called: Cardiomyopathy, familial hypertrophic, 26. Identifiers: Orphanet 75249, MedGen C4310749, MONDO:0014883, OMIM 617047.
Distal myopathy with posterior leg and anterior hand involvement. Also called: WILLIAMS DISTAL MYOPATHY. Identifiers: Orphanet 63273, MedGen C3279722, MONDO:0013550, OMIM 614065.

Allele frequency attached by ClinVar (database versions not stated): gnomAD exomes below 0.00001 and 0.00001; gnomAD 0.00001; ExAC 0.00002; ESP Exome Variant Server 0.00008.
gnomAD v4.1: 8 of 1,602,828 alleles (0.0005%); highest among the groups gnomAD compares: East Asian, 0.0023%; no homozygotes.

Submissions (4):

Labcorp Genetics (formerly Invitae), Labcorp
Classification: Uncertain significance for Distal myopathy with posterior leg and anterior hand involvement; Myofibrillar myopathy 5; Hypertrophic cardiomyopathy 26. Last evaluated: 2025-11-17. Review status: criteria provided, single submitter. Criteria: Invitae Variant Classification Sherloc (09022015). Collection method: clinical testing. Allele origin: germline.
Comment: This sequence change replaces arginine, which is basic and polar, with histidine, which is basic and polar, at codon 1526 of the FLNC protein (p.Arg1526His). The frequency data for this variant in the population databases is considered unreliable, as metrics indicate poor data quality at this position in the gnomAD database. This variant has not been reported in the literature in individuals affected with FLNC-related conditions. ClinVar contains an entry for this variant (Variation ID: 934479). Invitae Evidence Modeling of protein sequence and biophysical properties (such as structural, functional, and spatial information, amino acid conservation, physicochemical variation, residue mobility, and thermodynamic stability) has been performed for this missense variant. However, the output from this modeling did not meet the statistical confidence thresholds required to predict the impact of this variant on FLNC protein function. In summary, the available evidence is currently insufficient to determine the role of this variant in disease. Therefore, it has been classified as a Variant of Uncertain Significance.

Ambry Genetics
Classification: Uncertain significance for Cardiovascular phenotype. Last evaluated: 2024-07-14. Review status: criteria provided, single submitter. Criteria: Ambry Variant Classification Scheme 2023. Collection method: clinical testing. Allele origin: germline.
Comment: The p.R1526H variant (also known as c.4577G>A), located in coding exon 26 of the FLNC gene, results from a G to A substitution at nucleotide position 4577. The arginine at codon 1526 is replaced by histidine, an amino acid with highly similar properties. This amino acid position is well conserved in available vertebrate species. In addition, this alteration is predicted to be tolerated by in silico analysis. Since supporting evidence is limited at this time, the clinical significance of this alteration remains unclear.

Blueprint Genetics
Classification: Uncertain significance. Last evaluated: 2023-03-31. Review status: criteria provided, single submitter. Criteria: ACMG Guidelines, 2015. Collection method: clinical testing. Allele origin: germline.

Revvity Omics, Revvity
Classification: Uncertain significance. Last evaluated: 2020-05-05. Review status: criteria provided, single submitter. Criteria: ACMG Guidelines, 2015. Collection method: clinical testing. Allele origin: germline.

NM_001458.5(FLNC):c.4577G>A (p.Arg1526His)

Gene: FLNC (filamin C; plus strand). Cytogenetic location: 7q32.1.
Variant type: single nucleotide variant.
Coding change: c.4577G>A on transcript NM_001458.5 (MANE Select); coding-DNA position 4577, G replaced by A.
Protein change: p.Arg1526His; replaces arginine 1526 with histidine.
Molecular consequence: missense variant.
Genome position (GRCh38, 1-based): chr7:128,848,065, G>A. VCF-style: chr7-128848065-G-A. GRCh37 (hg19) VCF-style: chr7-128488119-G-A.
Other names: c.4577G>A, p.Arg1526His (NM_001127487.2); short protein forms R1526H.
Identifiers: ClinVar variation 934479 (VCV000934479.14), dbSNP rs374729872, ClinGen allele CA4475379.